The following is an entry in ClinVar:

ClinVar aggregate classification (germline): Uncertain significance (1 of 4 stars; one submission).

Conditions:
Neuroblastoma, susceptibility to, 3. Also called: ALK-Related Neuroblastic Tumor Susceptibility. Identifiers: Orphanet 635, MedGen C2751681, MONDO:0013083, OMIM 613014.

Allele frequency attached by ClinVar (database versions not stated): TOPMed 0.00001.
gnomAD v4.1: 10 of 1,613,964 alleles (0.00062%); highest among the groups gnomAD compares: African/African-American, 0.0013%; no homozygotes.

Submission:

Labcorp Genetics (formerly Invitae), Labcorp
Classification: Uncertain significance for Neuroblastoma, susceptibility to, 3. Last evaluated: 2025-04-20. Review status: criteria provided, single submitter. Criteria: Invitae Variant Classification Sherloc (09022015). Collection method: clinical testing. Allele origin: germline.
Comment: This sequence change replaces asparagine, which is neutral and polar, with lysine, which is basic and polar, at codon 1140 of the ALK protein (p.Asn1140Lys). This variant is present in population databases (rs150785816, gnomAD 0.0009%). This variant has not been reported in the literature in individuals affected with ALK-related conditions. ClinVar contains an entry for this variant (Variation ID: 1045380). An algorithm developed to predict the effect of missense changes on protein structure and function (PolyPhen-2) suggests that this variant is likely to be tolerated. In summary, the available evidence is currently insufficient to determine the role of this variant in disease. Therefore, it has been classified as a Variant of Uncertain Significance.

NM_004304.5(ALK):c.3420C>G (p.Asn1140Lys)

Gene: ALK (ALK receptor tyrosine kinase; minus strand). Cytogenetic location: 2p23.2.
Variant type: single nucleotide variant.
Coding change: c.3420C>G on transcript NM_004304.5 (MANE Select); coding-DNA position 3420, C replaced by G.
Protein change: p.Asn1140Lys; replaces asparagine 1140 with lysine.
Molecular consequence: missense variant.
Genome position (GRCh38, 1-based): chr2:29,222,547, G>C on the plus strand (C>G on the coding strand, the complement: ALK is on the minus strand). VCF-style: chr2-29222547-G-C. GRCh37 (hg19) VCF-style: chr2-29445413-G-C.
Other names: c.216C>G, p.Asn72Lys (NM_001353765.2); short protein forms N72K, N1140K.
Identifiers: ClinVar variation 1045380 (VCV001045380.8), dbSNP rs150785816, ClinGen allele CA1593959.